The following is an entry in ClinVar:

NM_005751.5(AKAP9):c.11714T>C (p.Met3905Thr)

Gene: AKAP9 (A-kinase anchoring protein 9; plus strand). Cytogenetic location: 7q21.2.
Variant type: single nucleotide variant.
Coding change: c.11714T>C on transcript NM_005751.5 (MANE Select); coding-DNA position 11714, T replaced by C.
Protein change: p.Met3905Thr; replaces methionine 3905 with threonine.
Molecular consequence: missense variant.
Genome position (GRCh38, 1-based): chr7:92,110,149, T>C. VCF-style: chr7-92110149-T-C. GRCh37 (hg19) VCF-style: chr7-91739463-T-C.
Other names: c.6359T>C, p.Met2120Thr (NM_001379277.1); c.11690T>C, p.Met3897Thr (NM_147185.3); short protein forms M3905T, M3897T, M2120T.
Identifiers: ClinVar variation 191398 (VCV000191398.26), dbSNP rs77447750, ClinGen allele CA236518.

ClinVar aggregate classification (germline): Conflicting classifications of pathogenicity. Review status: criteria provided, conflicting classifications (1 of 4 stars). 8 submissions from 8 submitters: Uncertain significance (2); Benign (2); Likely benign (4). Last evaluated 2025-12-15.

Conditions:
Cardiovascular phenotype. Identifiers: MedGen CN230736.
Long QT syndrome (LQTS). Identifiers: MedGen C0023976, MeSH D008133, MONDO:0002442. Disease mechanism: loss of function. Inheritance: Various modes of inheritance.
Hypertrophic cardiomyopathy. Also called: HYPERTROPHIC MYOCARDIOPATHY. Identifiers: Orphanet 217569, MedGen C0007194, MeSH D002312, MONDO:0005045, HP:0001639.

Allele frequency attached by ClinVar (database versions not stated): gnomAD 0.00014 and 0.00025; TOPMed 0.00042; gnomAD exomes 0.00061; ExAC 0.00079; 1000 Genomes Project 30x 0.00156; 1000 Genomes Project 0.00160.
gnomAD v4.1: 283 of 1,601,360 alleles (0.018%); highest among the groups gnomAD compares: East Asian, 0.47%; no homozygotes.

Submissions (8):

Labcorp Genetics (formerly Invitae), Labcorp
Classification: Benign for Long QT syndrome. Last evaluated: 2025-12-15. Review status: criteria provided, single submitter. Criteria: Invitae Variant Classification Sherloc (09022015). Collection method: clinical testing. Allele origin: germline.

Blueprint Genetics
Classification: Likely benign. Last evaluated: 2024-11-08. Review status: criteria provided, single submitter. Criteria: ACMG Guidelines, 2015. Collection method: clinical testing. Allele origin: germline.

Dept of Medical Biology, Uskudar University
Classification: Uncertain significance for Long QT syndrome. Last evaluated: 2024-01-08. Review status: criteria provided, single submitter. Criteria: Dept of Medical Biology Variant Classification. Collection method: research. Allele origin: paternal. Affected: yes. Observed: 1 variant allele.
Comment: Criteria: BS1

Women's Health and Genetics/Laboratory Corporation of America, LabCorp
Classification: Likely benign. Last evaluated: 2023-04-09. Review status: criteria provided, single submitter. Criteria: LabCorp Variant Classification Summary - May 2015. Collection method: clinical testing. Allele origin: germline.

Ambry Genetics
Classification: Likely benign for Cardiovascular phenotype. Last evaluated: 2020-08-28. Review status: criteria provided, single submitter. Criteria: Ambry Variant Classification Scheme 2023. Collection method: clinical testing. Allele origin: germline.

Center for Advanced Laboratory Medicine, UC San Diego Health, University of California San Diego
Classification: Likely benign for Hypertrophic cardiomyopathy. Last evaluated: 2017-11-14. Review status: criteria provided, single submitter. Criteria: ACMG Guidelines, 2015. Collection method: clinical testing. Allele origin: germline. Affected: yes. Observed: 1 variant allele.

GeneDx
Classification: Benign. Last evaluated: 2015-03-03. Review status: criteria provided, single submitter. Criteria: GeneDx Variant Classification Process June 2021. Collection method: clinical testing. Allele origin: germline. Affected: yes.

Biesecker Lab/Clinical Genomics Section, National Institutes of Health
Classification: Uncertain significance. Last evaluated: 2013-06-24. Review status: criteria provided, single submitter. Criteria: Ng et al. (Circ Cardiovasc Genet. 2013). Collection method: research. Allele origin: unknown. Observed: 1 variant allele. Study: ClinSeq.
Comment: The study set was not selected for affection status in relation to any cancer. Pathogenicity categories were based on literature curation. See Pubmed ID:23861362 for details.

Medical sequencing